The following is an entry in ClinVar:

NM_001365999.1(SZT2):c.4646dup (p.Asp1550fs)

Gene: SZT2 (SZT2 subunit of KICSTOR complex; plus strand). Cytogenetic location: 1p34.2.
Variant type: Duplication.
Coding change: c.4646dup on transcript NM_001365999.1 (MANE Select); coding-DNA position 4646, one base duplicated (G; older notation c.4646dupG).
Protein change: p.Asp1550fs; shifts the reading frame from aspartic acid 1550.
Molecular consequence: frameshift variant.
Genome position (GRCh38, 1-based): chr1:43,430,661, G duplicated; the last of 6 consecutive G bases (chr1:43,430,656-43,430,661); duplicating any one gives the same sequence. VCF-style (leftmost placement, unchanged base first): chr1-43430655-T-TG. GRCh37 (hg19) VCF-style: chr1-43896326-T-TG.
Other names: c.4475dup, p.Asp1493fs (NM_015284.4); short protein forms D1493fs, D1550fs.
Identifiers: ClinVar variation 4850040 (VCV004850040.1).

ClinVar aggregate classification (germline): Likely pathogenic (1 of 4 stars; one submission).

Conditions:
Meier-Gorlin syndrome 1 (MGORS1). Also called: EAR, PATELLA, SHORT STATURE SYNDROME. Identifiers: Orphanet 2554, MedGen C4552001, MONDO:0009143, OMIM 224690.

Submission:

Variantyx, Inc.
Classification: Likely pathogenic for Meier-Gorlin syndrome 1. Last evaluated: 2025-09-18. Review status: criteria provided, single submitter. Criteria: Variantyx Assertion Criteria 2022. Collection method: clinical testing. Allele origin: germline. Inheritance: Autosomal recessive inheritance. Affected: yes.
Comment: This is a frameshift variant in the SZT2 gene (OMIM: 615463). Pathogenic variants in this gene have been associated with autosomal recessive developmental and epileptic encephalopathy 18. This variant introduces a premature termination codon in exon 32 out of 72. It is expected to result in loss of function, which is a known disease mechanism for SZT2 in this disorder (PMID: 23932106, 27248490, 28556953) (PVS1). This variant has a 0.0023% maximum allele frequency in non-founder control populations (PM2_Supporting). Based on the current evidence, this variant is classified as likely pathogenic for autosomal recessive developmental and epileptic encephalopathy 18.

Literature cited by the submitters: PubMed 23932106; PubMed 27248490; PubMed 28556953.